The following is an entry in ClinVar:

NM_000254.3(MTR):c.2009_2010del (p.Pro670fs)

Gene: MTR (5-methyltetrahydrofolate-homocysteine methyltransferase; plus strand). Cytogenetic location: 1q43.
Variant type: Deletion.
Coding change: c.2009_2010del on transcript NM_000254.3 (MANE Select); coding-DNA positions 2009 to 2010, 2 bases deleted (CT; older notation c.2009_2010delCT).
Protein change: p.Pro670fs; shifts the reading frame from proline 670.
Molecular consequence: frameshift variant.
Genome position (GRCh38, 1-based): chr1:236,859,888-236,859,889, CT deleted. VCF-style (leftmost placement, unchanged base first): chr1-236859887-CCT-C. GRCh37 (hg19) VCF-style: chr1-237023187-CCT-C.
Other names: c.2009_2010del, p.Pro670fs (NM_001291939.1, NM_001410942.1); c.788_789del, p.Pro263fs (NM_001291940.2); short protein forms P670fs, P263fs.
Identifiers: ClinVar variation 5006312 (VCV005006312.2).

ClinVar aggregate classification (germline): Likely pathogenic (1 of 4 stars; one submission).

Conditions:
Neural tube defects, folate-sensitive (NTDFS). Also called: NTD, FOLATE-SENSITIVE. Identifiers: Orphanet 823, MedGen C1866558, MONDO:0011120, OMIM 601634.
Methylcobalamin deficiency type cblG (HMAG). Also called: HOMOCYSTINURIA-MEGALOBLASTIC ANEMIA DUE TO DEFECT IN COBALAMIN METABOLISM, cblG COMPLEMENTATION TYPE; Functional methionine synthase deficiency type cblG; HOMOCYSTINURIA-MEGALOBLASTIC ANEMIA, cblG COMPLEMENTATION TYPE; HOMOCYSTINURIA-MEGALOBLASTIC ANEMIA, cblG TYPE. Identifiers: Orphanet 2170, Orphanet 622, MedGen C1855128, MONDO:0009609, OMIM 250940.

Submission:

Juno Genomics, Hangzhou Juno Genomics, Inc
Classification: Likely pathogenic for Neural tube defects, folate-sensitive; Methylcobalamin deficiency type cblG. Review status: criteria provided, single submitter. Criteria: ACMG Guidelines, 2015. Collection method: clinical testing. Allele origin: germline.
Comment: Null variant in a gene where loss of function (LOF) is a known mechanism of disease.;Absent from controls (or at extremely low frequency if recessive) in Genome Aggregation Database.